The following is an entry in ClinVar:

NM_005245.4(FAT1):c.10519G>A (p.Glu3507Lys)

Gene: FAT1 (FAT atypical cadherin 1; minus strand). Cytogenetic location: 4q35.2.
Variant type: single nucleotide variant.
Coding change: c.10519G>A on transcript NM_005245.4 (MANE Select); coding-DNA position 10519, G replaced by A.
Protein change: p.Glu3507Lys; replaces glutamic acid 3507 with lysine.
Molecular consequence: missense variant.
Genome position (GRCh38, 1-based): chr4:186,604,406, C>T on the plus strand (G>A on the coding strand, the complement: FAT1 is on the minus strand). VCF-style: chr4-186604406-C-T. GRCh37 (hg19) VCF-style: chr4-187525560-C-T.
Other names: c.10519G>A (NM_005245.3); short protein forms E3507K.
Identifiers: ClinVar variation 2164150 (VCV002164150.11), dbSNP rs201158459, ClinGen allele CA3165340.
Genomic context (GRCh38, chr4:186,604,406, plus strand): 5'-ACAACCAAACCACAAAGAAAGCCATTCATACCTTCACCTGCAGTAAGTAATGATCTTTCT[C>T]CTTCCTCTTGATGGCAGATGATGTCAGGAGGACTCCTTGCGGGTTAACTTCAAAAGCCTT-3'
Protein context (NP_005236.2, residues 3497-3517): LLTSSAIKRK[Glu3507Lys]KDHYLLQVKV

ClinVar aggregate classification (germline): Conflicting classifications of pathogenicity. Review status: criteria provided, conflicting classifications (1 of 4 stars). 5 submissions from 5 submitters: Uncertain significance (2); Benign (1); Likely benign (1). 1 of the submissions does not count toward it. Last evaluated 2026-05-01.

Conditions:
Inborn genetic diseases. Identifiers: MedGen C0950123, MeSH D030342.
FAT1-related disorder. Also called: FAT1-related condition.

Allele frequency attached by ClinVar (database versions not stated): TOPMed 0.00026; gnomAD 0.00027; ESP Exome Variant Server 0.00033; 1000 Genomes Project 0.00040; 1000 Genomes Project 30x 0.00047; gnomAD exomes 0.00050; ExAC 0.00058.
gnomAD v4.1: 759 of 1,613,724 alleles (0.047%); highest among the groups gnomAD compares: South Asian, 0.25%; 1 homozygote.

Submissions (5):

CeGaT Center for Human Genetics Tuebingen
Classification: Likely benign. Last evaluated: 2026-05-01. Review status: criteria provided, single submitter. Criteria: CeGaT Center For Human Genetics Tuebingen Variant Classification Criteria Version 2. Collection method: clinical testing. Allele origin: germline. Affected: yes. Observed: 1 variant allele.
Comment: FAT1: BP4

GeneDx
Classification: Uncertain significance. Last evaluated: 2026-01-29. Review status: criteria provided, single submitter. Criteria: GeneDx Variant Classification Process June 2021. Collection method: clinical testing. Allele origin: germline.
Comment: In silico analysis suggests that this missense variant does not alter protein structure/function; Has not been previously published as pathogenic or benign to our knowledge

Labcorp Genetics (formerly Invitae), Labcorp
Classification: Benign. Last evaluated: 2025-12-29. Review status: criteria provided, single submitter. Criteria: Invitae Variant Classification Sherloc (09022015). Collection method: clinical testing. Allele origin: germline.

Ambry Genetics
Classification: Uncertain significance for Inborn genetic diseases. Last evaluated: 2023-02-23. Review status: criteria provided, single submitter. Criteria: Ambry Variant Classification Scheme 2023. Collection method: clinical testing. Allele origin: germline.

PreventionGenetics, part of Exact Sciences
Classification: Likely benign for FAT1-related condition. Last evaluated: 2023-04-05. Review status: no assertion criteria provided. Collection method: clinical testing. Allele origin: germline. Not counted in ClinVar's aggregate classification.
Comment: This variant is classified as likely benign based on ACMG/AMP sequence variant interpretation guidelines (Richards et al. 2015 PMID: 25741868, with internal and published modifications).